The following is an entry in ClinVar:

ClinVar aggregate classification (germline): Uncertain significance (1 of 4 stars; one submission).

gnomAD v4.1: 2 of 1,548,714 alleles (0.00013%); highest among the groups gnomAD compares: Non-Finnish European, 0.00017%; no homozygotes.

Submission:

Labcorp Genetics (formerly Invitae), Labcorp
Classification: Uncertain significance. Last evaluated: 2022-08-23. Review status: criteria provided, single submitter. Criteria: Invitae Variant Classification Sherloc (09022015). Collection method: clinical testing. Allele origin: germline.
Comment: In summary, the available evidence is currently insufficient to determine the role of this variant in disease. Therefore, it has been classified as a Variant of Uncertain Significance. Algorithms developed to predict the effect of missense changes on protein structure and function are either unavailable or do not agree on the potential impact of this missense change (SIFT: "Deleterious"; PolyPhen-2: "Not Available"; Align-GVGD: "Class C0"). ClinVar contains an entry for this variant (Variation ID: 1421656). This variant has not been reported in the literature in individuals affected with PDZD7-related conditions. This variant is not present in population databases (gnomAD no frequency). This sequence change replaces arginine, which is basic and polar, with glycine, which is neutral and non-polar, at codon 530 of the PDZD7 protein (p.Arg530Gly).

NM_001195263.2(PDZD7):c.1588C>G (p.Arg530Gly)

Gene: PDZD7 (PDZ domain containing 7; minus strand). Cytogenetic location: 10q24.31.
Variant type: single nucleotide variant.
Coding change: c.1588C>G on transcript NM_001195263.2 (MANE Select); coding-DNA position 1588, C replaced by G.
Protein change: p.Arg530Gly; replaces arginine 530 with glycine.
Molecular consequence: missense variant.
Genome position (GRCh38, 1-based): chr10:101,015,797, G>C on the plus strand (C>G on the coding strand, the complement: PDZD7 is on the minus strand). VCF-style: chr10-101015797-G-C. GRCh37 (hg19) VCF-style: chr10-102775554-G-C.
Other names: short protein forms R530G.
Identifiers: ClinVar variation 1421656 (VCV001421656.8), dbSNP rs961077588, ClinGen allele CA378227113.